The following is an entry in ClinVar:

NM_003072.5(SMARCA4):c.2193C>T (p.Tyr731=)

Gene: SMARCA4 (SWI/SNF related BAF chromatin remodeling complex subunit ATPase 4; plus strand). Cytogenetic location: 19p13.2.
Variant type: single nucleotide variant.
Coding change: c.2193C>T on transcript NM_003072.5 (MANE Select); coding-DNA position 2193, C replaced by T.
Protein change: p.Tyr731=; no amino-acid change (tyrosine 731 retained).
Molecular consequence: synonymous variant. On other transcripts: non-coding transcript variant (1).
Genome position (GRCh38, 1-based): chr19:11,010,450, C>T. VCF-style: chr19-11010450-C-T. GRCh37 (hg19) VCF-style: chr19-11121126-C-T.
Other names: c.2193C>T, p.Tyr731= (NM_001128844.3, NM_001128845.2, NM_001128846.2 and 4 more transcripts).
Identifiers: ClinVar variation 820865 (VCV000820865.14), dbSNP rs1600188323, ClinGen allele CA505487362.

ClinVar aggregate classification (germline): Benign/Likely benign. Review status: criteria provided, multiple submitters, no conflicts (2 of 4 stars). 3 submissions from 3 submitters: Benign (1); Likely benign (2). Last evaluated 2026-07-13.

Conditions:
Rhabdoid tumor predisposition syndrome 2 (RTPS2). Identifiers: Orphanet 231108, Orphanet 69077, MedGen C2750074, MONDO:0013224, OMIM 613325.
Hereditary cancer-predisposing syndrome. Also called: Hereditary neoplastic syndrome; Neoplastic Syndromes, Hereditary; Tumor predisposition; Hereditary Cancer Syndrome. Identifiers: Orphanet 140162, MedGen C0027672, MeSH D009386, MONDO:0015356.

Allele frequency attached by ClinVar (database versions not stated): TOPMed 0.00001; gnomAD 0.00001.
gnomAD v4.1: 2 of 1,613,960 alleles (0.00012%); highest among the groups gnomAD compares: African/African-American, 0.0013%; no homozygotes.

Submissions (3):

Myriad Genetics, Inc.
Classification: Benign for Rhabdoid tumor predisposition syndrome 2. Last evaluated: 2026-07-13. Review status: criteria provided, single submitter. Criteria: Myriad Autosomal Dominant, Autosomal Recessive and X-Linked Classification Criteria (2023). Collection method: clinical testing. Allele origin: unknown.
Comment: This variant is considered benign. This variant is a silent/synonymous amino acid change and it is not expected to impact splicing.

Labcorp Genetics (formerly Invitae), Labcorp
Classification: Likely benign for Rhabdoid tumor predisposition syndrome 2. Last evaluated: 2025-03-14. Review status: criteria provided, single submitter. Criteria: Invitae Variant Classification Sherloc (09022015). Collection method: clinical testing. Allele origin: germline.

Ambry Genetics
Classification: Likely benign for Hereditary cancer-predisposing syndrome. Last evaluated: 2019-04-19. Review status: criteria provided, single submitter. Criteria: Ambry Variant Classification Scheme 2023. Collection method: clinical testing. Allele origin: germline.